The following is an entry in ClinVar:

NM_004281.4(BAG3):c.1085T>C (p.Val362Ala)

Gene: BAG3 (BAG cochaperone 3; plus strand). Cytogenetic location: 10q26.11.
Variant type: single nucleotide variant.
Coding change: c.1085T>C on transcript NM_004281.4 (MANE Select); coding-DNA position 1085, T replaced by C.
Protein change: p.Val362Ala; replaces valine 362 with alanine.
Molecular consequence: missense variant.
Genome position (GRCh38, 1-based): chr10:119,676,639, T>C. VCF-style: chr10-119676639-T-C. GRCh37 (hg19) VCF-style: chr10-121436151-T-C.
Other names: c.1085T>C (NM_004281.3); short protein forms V362A.
Identifiers: ClinVar variation 1432473 (VCV001432473.6), dbSNP rs200812717, ClinGen allele CA5716481.

ClinVar aggregate classification (germline): Uncertain significance. Review status: criteria provided, multiple submitters, no conflicts (2 of 4 stars). 2 submissions from 2 submitters: Uncertain significance (2). Last evaluated 2025-11-12.

Conditions:
Cardiovascular phenotype. Identifiers: MedGen CN230736.
Myofibrillar myopathy 6. Identifiers: Orphanet 199340, MedGen C2751831, MONDO:0013061, OMIM 612954.
Dilated cardiomyopathy 1HH (CMD1HH). Identifiers: Orphanet 154, MedGen C3151293, MONDO:0013479, OMIM 613881.

Allele frequency attached by ClinVar (database versions not stated): gnomAD exomes below 0.00001 and 0.00001; ExAC 0.00001; gnomAD 0.00001; 1000 Genomes Project 0.00020; 1000 Genomes Project 30x 0.00031.
gnomAD v4.1: 4 of 1,613,972 alleles (0.00025%); highest among the groups gnomAD compares: Admixed American, 0.0067%; no homozygotes.

Submissions (2):

Labcorp Genetics (formerly Invitae), Labcorp
Classification: Uncertain significance for Dilated cardiomyopathy 1HH; Myofibrillar myopathy 6. Last evaluated: 2025-11-12. Review status: criteria provided, single submitter. Criteria: Invitae Variant Classification Sherloc (09022015). Collection method: clinical testing. Allele origin: germline.
Comment: This sequence change replaces valine, which is neutral and non-polar, with alanine, which is neutral and non-polar, at codon 362 of the BAG3 protein (p.Val362Ala). This variant is present in population databases (rs200812717, gnomAD 0.006%). This variant has not been reported in the literature in individuals affected with BAG3-related conditions. ClinVar contains an entry for this variant (Variation ID: 1432473). Invitae Evidence Modeling of protein sequence and biophysical properties (such as structural, functional, and spatial information, amino acid conservation, physicochemical variation, residue mobility, and thermodynamic stability) indicates that this missense variant is not expected to disrupt BAG3 protein function with a negative predictive value of 80%. In summary, the available evidence is currently insufficient to determine the role of this variant in disease. Therefore, it has been classified as a Variant of Uncertain Significance.

Ambry Genetics
Classification: Uncertain significance for Cardiovascular phenotype. Last evaluated: 2025-10-02. Review status: criteria provided, single submitter. Criteria: Ambry Variant Classification Scheme 2023. Collection method: clinical testing. Allele origin: germline.